The following is an entry in ClinVar:

NM_053025.4(MYLK):c.3183C>T (p.Ser1061=)

Gene: MYLK (myosin light chain kinase; minus strand). Cytogenetic location: 3q21.1.
Variant type: single nucleotide variant.
Coding change: c.3183C>T on transcript NM_053025.4 (MANE Select); coding-DNA position 3183, C replaced by T.
Protein change: p.Ser1061=; no amino-acid change (serine 1061 retained).
Molecular consequence: synonymous variant.
Genome position (GRCh38, 1-based): chr3:123,700,285, G>A on the plus strand (C>T on the coding strand, the complement: MYLK is on the minus strand). VCF-style: chr3-123700285-G-A. GRCh37 (hg19) VCF-style: chr3-123419132-G-A.
Other names: c.2655C>T, p.Ser885= (NM_001321309.2); c.2976C>T, p.Ser992= (NM_053026.4, NM_053028.4); c.3183C>T, p.Ser1061= (NM_053027.4).
Identifiers: ClinVar variation 264198 (VCV000264198.55), dbSNP rs370194660, ClinGen allele CA069420.

ClinVar aggregate classification (germline): Likely benign. Review status: criteria provided, multiple submitters, no conflicts (2 of 4 stars). 8 submissions from 8 submitters: Likely benign (7). 1 of the submissions does not count toward it. Last evaluated 2025-11-24.

Conditions:
MYLK-related disorder. Also called: MYLK-related condition.
Megacystis-microcolon-intestinal hypoperistalsis syndrome 1. Identifiers: MedGen C5542316, MONDO:0100354, OMIM 249210.
Aortic aneurysm, familial thoracic 7 (AAT7). Also called: AORTIC DISSECTION, FAMILIAL, WITH OR WITHOUT AORTIC ANEURYSM. Identifiers: MedGen C3151077, MONDO:0013418, OMIM 613780.
Familial thoracic aortic aneurysm and aortic dissection (TAAD). Also called: Thoracic aortic aneurysms and dissections. Identifiers: Orphanet 91387, MedGen C4707243, MONDO:0019625.

Allele frequency attached by ClinVar (database versions not stated): TOPMed 0.00008; gnomAD 0.00009 and 0.00010; gnomAD exomes 0.00013 and 0.00015; ESP Exome Variant Server 0.00015; ExAC 0.00017; 1000 Genomes Project 30x 0.00031; 1000 Genomes Project 0.00040.
gnomAD v4.1: 196 of 1,613,942 alleles (0.012%); highest among the groups gnomAD compares: South Asian, 0.056%; no homozygotes.

Submissions (8):

Labcorp Genetics (formerly Invitae), Labcorp
Classification: Likely benign for Aortic aneurysm, familial thoracic 7. Last evaluated: 2025-11-24. Review status: criteria provided, single submitter. Criteria: Invitae Variant Classification Sherloc (09022015). Collection method: clinical testing. Allele origin: germline.

ARUP Laboratories, Molecular Genetics and Genomics, ARUP Laboratories
Classification: Likely benign. Last evaluated: 2023-11-13. Review status: criteria provided, single submitter. Criteria: ARUP Molecular Germline Variant Investigation Process 2024. Collection method: clinical testing. Allele origin: germline.

Fulgent Genetics
Classification: Likely benign for Megacystis-microcolon-intestinal hypoperistalsis syndrome 1; Aortic aneurysm, familial thoracic 7. Last evaluated: 2021-08-10. Review status: criteria provided, single submitter. Criteria: ACMG Guidelines, 2015. Collection method: clinical testing. Allele origin: unknown.

CeGaT Center for Human Genetics Tuebingen
Classification: Likely benign. Last evaluated: 2021-07-01. Review status: criteria provided, single submitter. Criteria: CeGaT Center For Human Genetics Tuebingen Variant Classification Criteria Version 2. Collection method: clinical testing. Allele origin: germline. Affected: yes. Observed: 1 variant allele.

GeneDx
Classification: Likely benign. Last evaluated: 2021-04-06. Review status: criteria provided, single submitter. Criteria: GeneDx Variant Classification Process June 2021. Collection method: clinical testing. Allele origin: germline. Affected: yes.

CHEO Genetics Diagnostic Laboratory, Children's Hospital of Eastern Ontario
Classification: Likely benign for Familial thoracic aortic aneurysm and aortic dissection. Last evaluated: 2019-10-08. Review status: criteria provided, single submitter. Criteria: ACMG Guidelines, 2015. Collection method: clinical testing. Allele origin: germline.

Ambry Genetics
Classification: Likely benign for Familial thoracic aortic aneurysm and aortic dissection. Last evaluated: 2015-08-14. Review status: criteria provided, single submitter. Criteria: Ambry Variant Classification Scheme 2023. Collection method: clinical testing. Allele origin: germline.

PreventionGenetics, part of Exact Sciences
Classification: Likely benign for MYLK-related condition. Last evaluated: 2019-04-08. Review status: no assertion criteria provided. Collection method: clinical testing. Allele origin: germline. Not counted in ClinVar's aggregate classification.
Comment: This variant is classified as likely benign based on ACMG/AMP sequence variant interpretation guidelines (Richards et al. 2015 PMID: 25741868, with internal and published modifications).